The following is an entry in ClinVar:

ClinVar aggregate classification (germline): Uncertain significance (1 of 4 stars; one submission).

Submission:

Labcorp Genetics (formerly Invitae), Labcorp
Classification: Uncertain significance. Last evaluated: 2023-04-24. Review status: criteria provided, single submitter. Criteria: Invitae Variant Classification Sherloc (09022015). Collection method: clinical testing. Allele origin: germline.
Comment: Experimental studies and prediction algorithms are not available or were not evaluated, and the functional significance of this variant is currently unknown. In summary, the available evidence is currently insufficient to determine the role of this variant in disease. Therefore, it has been classified as a Variant of Uncertain Significance. ClinVar contains an entry for this variant (Variation ID: 1510412). This variant has not been reported in the literature in individuals affected with MYO18B-related conditions. This variant is not present in population databases (gnomAD no frequency). This variant, c.3019_3027del, results in the deletion of 3 amino acid(s) of the MYO18B protein (p.Pro1007_Thr1009del), but otherwise preserves the integrity of the reading frame.

NM_032608.7(MYO18B):c.3019_3027del (p.Pro1007_Thr1009del)

Gene: MYO18B (myosin XVIIIB; plus strand). Cytogenetic location: 22q12.1.
Variant type: Deletion.
Coding change: c.3019_3027del on transcript NM_032608.7 (MANE Select); coding-DNA positions 3019 to 3027, 9 bases deleted (CCAGGGACC; older notation c.3019_3027delCCAGGGACC).
Protein change: p.Pro1007_Thr1009del.
Molecular consequence: inframe deletion.
Genome position (GRCh38, 1-based): chr22:25,832,956-25,832,964, CCAGGGACC deleted; deleting any 9 consecutive bases within chr22:25,832,954-25,832,964 gives the same sequence; the c. name uses the placement nearest the transcript's 3' end. VCF-style (leftmost placement, unchanged base first): chr22-25832953-TCCCCAGGGA-T. GRCh37 (hg19) VCF-style: chr22-26228920-TCCCCAGGGA-T.
Other names: c.3019_3027del, p.Pro1007_Thr1009del (NM_001318245.2).
Identifiers: ClinVar variation 1510412 (VCV001510412.8), dbSNP rs1393060369, ClinGen allele CA638763415.